The following is an entry in ClinVar:

ClinVar aggregate classification (germline): Uncertain significance (1 of 4 stars; one submission).

Submission:

Labcorp Genetics (formerly Invitae), Labcorp
Classification: Uncertain significance. Last evaluated: 2025-08-02. Review status: criteria provided, single submitter. Criteria: Invitae Variant Classification Sherloc (09022015). Collection method: clinical testing. Allele origin: germline.
Comment: This sequence change replaces threonine, which is neutral and polar, with arginine, which is basic and polar, at codon 74 of the EPB41 protein (p.Thr74Arg). This variant is not present in population databases (gnomAD no frequency). This variant has not been reported in the literature in individuals affected with EPB41-related conditions. Invitae Evidence Modeling of protein sequence and biophysical properties (such as structural, functional, and spatial information, amino acid conservation, physicochemical variation, residue mobility, and thermodynamic stability) has been performed for this missense variant. However, the output from this modeling did not meet the statistical confidence thresholds required to predict the impact of this variant on EPB41 protein function. In summary, the available evidence is currently insufficient to determine the role of this variant in disease. Therefore, it has been classified as a Variant of Uncertain Significance.

NM_001376013.1(EPB41):c.848C>G (p.Thr283Arg)

Gene: EPB41 (erythrocyte membrane protein band 4.1; plus strand). Cytogenetic location: 1p35.3.
Variant type: single nucleotide variant.
Coding change: c.848C>G on transcript NM_001376013.1 (MANE Select); coding-DNA position 848, C replaced by G.
Protein change: p.Thr283Arg; replaces threonine 283 with arginine.
Molecular consequence: missense variant.
Genome position (GRCh38, 1-based): chr1:29,015,710, C>G. VCF-style: chr1-29015710-C-G. GRCh37 (hg19) VCF-style: chr1-29342222-C-G.
Other names: c.848C>G, p.Thr283Arg (NM_001166005.2, NM_001166006.2, NM_001376014.1 and 7 more transcripts); c.221C>G, p.Thr74Arg (NM_001166007.2, NM_001376022.1, NM_001376023.1 and 7 more transcripts); c.743C>G, p.Thr248Arg (NM_203343.3); short protein forms T248R, T283R, T74R.
Identifiers: ClinVar variation 4740986 (VCV004740986.1).